The following is an entry in ClinVar:

NM_000052.7(ATP7A):c.1273del (p.Leu424_Leu425insTer)

Gene: ATP7A (ATPase copper transporting alpha; plus strand). Cytogenetic location: Xq21.1.
Variant type: Deletion.
Coding change: c.1273del on transcript NM_000052.7 (MANE Select); coding-DNA position 1273, one base deleted (C; older notation c.1273delC).
Protein change: p.Leu424_Leu425insTer.
Molecular consequence: nonsense.
Genome position (GRCh38, 1-based): chrX:77,989,895, C deleted. VCF-style (leftmost placement, unchanged base first): chrX-77989894-AC-A. GRCh37 (hg19) VCF-style: chrX-77245390-AC-A.
Other names: c.1273del, p.Leu424_Leu425insTer (NM_001282224.2).
Identifiers: ClinVar variation 971523 (VCV000971523.9), dbSNP rs2077660153, ClinGen allele CA1139667672.

ClinVar aggregate classification (germline): Pathogenic. Review status: criteria provided, multiple submitters, no conflicts (2 of 4 stars). 2 submissions from 2 submitters: Pathogenic (2). Last evaluated 2023-10-10.

Conditions:
Menkes kinky-hair syndrome (MNK). Also called: Menkes Disease; Copper transport disease; Classic Menkes Disease. Identifiers: Orphanet 565, MedGen C0022716, MONDO:0010651, OMIM 309400.
Cutis laxa, X-linked (OHS). Also called: EDS IX; Occipital horn syndrome. Identifiers: Orphanet 198, MedGen C0268353, MONDO:0010572, OMIM 304150.
X-linked distal spinal muscular atrophy type 3. Also called: ATP7A-Related Distal Motor Neuropathy; NEURONOPATHY, DISTAL HEREDITARY MOTOR, X-LINKED; NEUROPATHY, DISTAL HEREDITARY MOTOR, X-LINKED; SPINAL MUSCULAR ATROPHY, DISTAL, X-LINKED RECESSIVE. Identifiers: Orphanet 139557, MedGen C1845359, MONDO:0010338, OMIM 300489.

Submissions (2):

3billion
Classification: Pathogenic for Menkes kinky-hair syndrome. Last evaluated: 2023-10-10. Review status: criteria provided, single submitter. Criteria: ACMG Guidelines, 2015. Collection method: clinical testing. Allele origin: germline. Affected: yes.
Comment: The variant is not observed in the gnomAD v2.1.1 dataset. Predicted Consequence/Location: Stop-gained (nonsense): predicted to result in a loss or disruption of normal protein function through nonsense-mediated decay (NMD) or protein truncation. Multiple pathogenic variants are reported downstream of the variant. The variant has been reported to be associated with ATP7A related disorder (ClinVar ID: VCV000971523). Therefore, this variant is classified as Pathogenic according to the recommendation of ACMG/AMP guideline.

Labcorp Genetics (formerly Invitae), Labcorp
Classification: Pathogenic for X-linked distal spinal muscular atrophy type 3; Cutis laxa, X-linked; Menkes kinky-hair syndrome. Last evaluated: 2019-11-12. Review status: criteria provided, single submitter. Criteria: Invitae Variant Classification Sherloc (09022015). Collection method: clinical testing. Allele origin: germline.
Comment: For these reasons, this variant has been classified as Pathogenic. Loss-of-function variants in ATP7A are known to be pathogenic (PMID: 11241493, 20652413). This variant has not been reported in the literature in individuals with ATP7A-related conditions. This variant is not present in population databases (ExAC no frequency). This sequence change creates a premature translational stop signal (p.Leu425*) in the ATP7A gene. It is expected to result in an absent or disrupted protein product.

Literature cited by the submitters: PubMed 11241493 (cited by Labcorp Genetics (formerly Invitae), Labcorp); PubMed 20652413 (cited by Labcorp Genetics (formerly Invitae), Labcorp).